The following is an entry in ClinVar:

NM_201384.3(PLEC):c.4569CGAGGC[1] (p.1524EA[1])

Gene: PLEC (plectin; minus strand). Cytogenetic location: 8q24.3.
Variant type: Microsatellite.
Coding change: c.4569CGAGGC[1] on transcript NM_201384.3 (MANE Select); one copy of the 6-base unit CGAGGC starting at c.4569; the reference has two copies in a row; one copy, 6 bases deleted.
Protein change: p.1524EA[1].
Molecular consequence: inframe deletion.
Genome position (GRCh38, 1-based): chr8:143,925,349-143,925,354, GCCTCG deleted on the plus strand (CGAGGC on the coding strand, the reverse complement: PLEC is on the minus strand); deleting any 6 consecutive bases within chr8:143,925,349-143,925,364 gives the same sequence; the position shown is the placement nearest the transcript's 3' end. VCF-style (leftmost placement, unchanged base first): chr8-143925348-CGCCTCG-C. GRCh37 (hg19) VCF-style: chr8-144999516-CGCCTCG-C.
Other names: c.4650CGAGGC[1], p.1551EA[1] (NM_000445.5); c.4527CGAGGC[1], p.1510EA[1] (NM_201378.4); c.4503CGAGGC[1], p.1502EA[1] (NM_201379.3); c.4980CGAGGC[1], p.1661EA[1] (NM_201380.4); c.4473CGAGGC[1], p.1492EA[1] (NM_201381.3); c.4569CGAGGC[1], p.1524EA[1] (NM_201382.4); c.4581CGAGGC[1], p.1528EA[1] (NM_201383.3).
Identifiers: ClinVar variation 1009163 (VCV001009163.5), dbSNP rs782365801, ClinGen allele CA586158330.

ClinVar aggregate classification (germline): Uncertain significance (1 of 4 stars; one submission).

Conditions:
Epidermolysis bullosa simplex 5B, with muscular dystrophy (EBS5B). Also called: EPIDERMOLYSIS BULLOSA SIMPLEX AND LIMB-GIRDLE MUSCULAR DYSTROPHY; Epidermolysis bullosa simplex with muscular dystrophy. Identifiers: Orphanet 257, MedGen C2931072, MONDO:0009181, OMIM 226670.
Epidermolysis bullosa simplex, Ogna type (EBS5A). Also called: EPIDERMOLYSIS BULLOSA SIMPLEX 5A, OGNA TYPE; Pidermolysis bullosa simplex 5A, Ogna type. Identifiers: Orphanet 79401, MedGen C0432317, MONDO:0007555, OMIM 131950.
Epidermolysis bullosa simplex 5C, with pyloric atresia (EBS5C). Also called: Epidermolysis bullosa simplex with pyloric atresia; PLEC-Related Epidermolysis Bullosa with Pyloric Atresia; PLEC1-Related Epidermolysis Bullosa with Pyloric Atresia. Identifiers: Orphanet 158684, MedGen C2677349, MONDO:0012807, OMIM 612138.
Autosomal recessive limb-girdle muscular dystrophy type 2Q (LGMDR17). Also called: MUSCULAR DYSTROPHY, LIMB-GIRDLE, AUTOSOMAL RECESSIVE 17. Identifiers: Orphanet 254361, MedGen C3150989, MONDO:0013390, OMIM 613723.
Epidermolysis bullosa simplex with nail dystrophy (EBS5D). Identifiers: MedGen C4225309, MONDO:0014661, OMIM 616487.

Submission:

Labcorp Genetics (formerly Invitae), Labcorp
Classification: Uncertain significance for Autosomal recessive limb-girdle muscular dystrophy type 2Q; Epidermolysis bullosa simplex, Ogna type; Epidermolysis bullosa simplex with nail dystrophy; Epidermolysis bullosa simplex 5C, with pyloric atresia; Epidermolysis bullosa simplex 5B, with muscular dystrophy. Last evaluated: 2024-05-05. Review status: criteria provided, single submitter. Criteria: Invitae Variant Classification Sherloc (09022015). Collection method: clinical testing. Allele origin: germline.
Comment: This variant, c.4656_4661del, results in the deletion of 2 amino acid(s) of the PLEC protein (p.Glu1553_Ala1554del), but otherwise preserves the integrity of the reading frame. This variant is present in population databases (no rsID available, gnomAD 0.007%). This variant has not been reported in the literature in individuals affected with PLEC-related conditions. Experimental studies and prediction algorithms are not available or were not evaluated, and the functional significance of this variant is currently unknown. In summary, the available evidence is currently insufficient to determine the role of this variant in disease. Therefore, it has been classified as a Variant of Uncertain Significance.